The following is an entry in ClinVar:

ClinVar aggregate classification (germline): Uncertain significance. Review status: criteria provided, multiple submitters, no conflicts (2 of 4 stars). 2 submissions from 2 submitters: Uncertain significance (2). Last evaluated 2024-12-08.

Conditions:
Hereditary cancer-predisposing syndrome. Also called: Neoplastic Syndromes, Hereditary; Tumor predisposition; Hereditary Cancer Syndrome; Hereditary neoplastic syndrome. Identifiers: Orphanet 140162, MedGen C0027672, MeSH D009386, MONDO:0015356.
Multiple endocrine neoplasia, type 2 (MEN2). Identifiers: Orphanet 653, MedGen C4048306, MONDO:0019003. Disease mechanism: gain of function.

Allele frequency attached by ClinVar (database versions not stated): TOPMed below 0.00001; gnomAD 0.00001.
gnomAD v4.1: 1 of 1,614,036 alleles (0.000062%); highest among the groups gnomAD compares: African/African-American, 0.0013%; no homozygotes.

Submissions (2):

Ambry Genetics
Classification: Uncertain significance for Hereditary cancer-predisposing syndrome. Last evaluated: 2024-12-08. Review status: criteria provided, single submitter. Criteria: Ambry Variant Classification Scheme 2023. Collection method: clinical testing. Allele origin: germline.
Comment: The p.A1106G variant (also known as c.3317C>G), located in coding exon 20 of the RET gene, results from a C to G substitution at nucleotide position 3317. The alanine at codon 1106 is replaced by glycine, an amino acid with similar properties. This amino acid position is conserved. In addition, the in silico prediction for this alteration is inconclusive. Since supporting evidence is limited at this time, the clinical significance of this alteration remains unclear.

Labcorp Genetics (formerly Invitae), Labcorp
Classification: Uncertain significance for Multiple endocrine neoplasia, type 2. Last evaluated: 2022-04-26. Review status: criteria provided, single submitter. Criteria: Invitae Variant Classification Sherloc (09022015). Collection method: clinical testing. Allele origin: germline.
Comment: This sequence change replaces alanine, which is neutral and non-polar, with glycine, which is neutral and non-polar, at codon 1106 of the RET protein (p.Ala1106Gly). This variant is present in population databases (no rsID available, gnomAD 0.01%). This variant has not been reported in the literature in individuals affected with RET-related conditions. ClinVar contains an entry for this variant (Variation ID: 653252). Algorithms developed to predict the effect of missense changes on protein structure and function are either unavailable or do not agree on the potential impact of this missense change (SIFT: "Tolerated"; PolyPhen-2: "Probably Damaging"; Align-GVGD: "Class C0"). In summary, the available evidence is currently insufficient to determine the role of this variant in disease. Therefore, it has been classified as a Variant of Uncertain Significance.

NM_020975.6(RET):c.3317C>G (p.Ala1106Gly)

Gene: RET (ret proto-oncogene; plus strand). Cytogenetic location: 10q11.21.
Variant type: single nucleotide variant.
Coding change: c.3317C>G on transcript NM_020975.6 (MANE Select); coding-DNA position 3317, C replaced by G.
Protein change: p.Ala1106Gly; replaces alanine 1106 with glycine.
Molecular consequence: missense variant.
Genome position (GRCh38, 1-based): chr10:43,128,241, C>G. VCF-style: chr10-43128241-C-G. GRCh37 (hg19) VCF-style: chr10-43623689-C-G.
Other names: c.3317C>G (LRG_518t1); short protein forms A1106G.
Identifiers: ClinVar variation 653252 (VCV000653252.10), dbSNP rs1338777037, ClinGen allele CA376559282.
Genomic context (GRCh38, chr10:43,128,241, plus strand): 5'-GGTTTCCAAGATATCCAAATGATAGTGTATATGCTAACTGGATGCTTTCACCCTCAGCGG[C>G]AAAATTAATGGACACGTTTGATAGTTAACATTTCTTTGTGAAAGGTAATGGACTCACAAG-3'
Protein context (NP_066124.1, residues 1096-1114): YANWMLSPSA[Ala1106Gly]KLMDTFDS